The following is an entry in ClinVar:

NM_031206.7(LAS1L):c.454G>A (p.Val152Ile)

Gene: LAS1L (LAS1 like ribosome biogenesis factor; minus strand). Cytogenetic location: Xq12.
Variant type: single nucleotide variant.
Coding change: c.454G>A on transcript NM_031206.7 (MANE Select); coding-DNA position 454, G replaced by A.
Protein change: p.Val152Ile; replaces valine 152 with isoleucine.
Molecular consequence: missense variant. On other transcripts: 5 prime UTR variant (1), non-coding transcript variant (3).
Genome position (GRCh38, 1-based): chrX:65,531,417, C>T on the plus strand (G>A on the coding strand, the complement: LAS1L is on the minus strand). VCF-style: chrX-65531417-C-T. GRCh37 (hg19) VCF-style: chrX-64751297-C-T.
Other names: c.454G>A, p.Val152Ile (NM_001170649.2, NM_001375328.1, NM_001375329.1 and 10 more transcripts); c.328G>A, p.Val110Ile (NM_001170650.2); c.-343G>A (NM_001375332.1); short protein forms V110I, V152I.
Identifiers: ClinVar variation 4086415 (VCV004086415.1).

ClinVar aggregate classification (germline): Uncertain significance (1 of 4 stars; one submission).

Submission:

GeneDx
Classification: Uncertain significance. Last evaluated: 2025-03-21. Review status: criteria provided, single submitter. Criteria: GeneDx Variant Classification Process June 2021. Collection method: clinical testing. Allele origin: germline. Affected: yes.
Comment: Not observed at significant frequency in large population cohorts (gnomAD); In silico analysis indicates that this missense variant does not alter protein structure/function; Has not been previously published as pathogenic or benign to our knowledge